The following is an entry in ClinVar:

NM_005458.8(GABBR2):c.142C>G (p.Arg48Gly)

Gene: GABBR2 (gamma-aminobutyric acid type B receptor subunit 2; minus strand). Cytogenetic location: 9q22.33.
Variant type: single nucleotide variant.
Coding change: c.142C>G on transcript NM_005458.8 (MANE Select); coding-DNA position 142, C replaced by G.
Protein change: p.Arg48Gly; replaces arginine 48 with glycine.
Molecular consequence: missense variant.
Genome position (GRCh38, 1-based): chr9:98,708,596, G>C on the plus strand (C>G on the coding strand, the complement: GABBR2 is on the minus strand). VCF-style: chr9-98708596-G-C. GRCh37 (hg19) VCF-style: chr9-101470878-G-C.
Other names: short protein forms R48G.
Identifiers: ClinVar variation 2813632 (VCV002813632.3), dbSNP rs763768715, ClinGen allele CA374212765.

ClinVar aggregate classification (germline): Uncertain significance (1 of 4 stars; one submission).

Conditions:
Epileptic encephalopathy. Identifiers: MedGen C0543888, HP:0200134.

gnomAD v4.1: 8 of 1,436,746 alleles (0.00056%); highest among the groups gnomAD compares: Non-Finnish European, 0.00064%; no homozygotes.

Submission:

Labcorp Genetics (formerly Invitae), Labcorp
Classification: Uncertain significance for Epileptic encephalopathy. Last evaluated: 2023-07-07. Review status: criteria provided, single submitter. Criteria: Invitae Variant Classification Sherloc (09022015). Collection method: clinical testing. Allele origin: germline.
Comment: This variant is not present in population databases (gnomAD no frequency). This sequence change replaces arginine, which is basic and polar, with glycine, which is neutral and non-polar, at codon 48 of the GABBR2 protein (p.Arg48Gly). This variant has not been reported in the literature in individuals affected with GABBR2-related conditions. Experimental studies and prediction algorithms are not available or were not evaluated, and the functional significance of this variant is currently unknown. In summary, the available evidence is currently insufficient to determine the role of this variant in disease. Therefore, it has been classified as a Variant of Uncertain Significance.